The following is an entry in ClinVar:

NM_005548.3(KARS1):c.194G>A (p.Gly65Asp)

Gene: KARS1 (lysyl-tRNA synthetase 1; minus strand). Cytogenetic location: 16q23.1.
Variant type: single nucleotide variant.
Coding change: c.194G>A on transcript NM_005548.3 (MANE Select); coding-DNA position 194, G replaced by A.
Protein change: p.Gly65Asp; replaces glycine 65 with aspartic acid.
Molecular consequence: missense variant. On other transcripts: 5 prime UTR variant (1).
Genome position (GRCh38, 1-based): chr16:75,641,592, C>T on the plus strand (G>A on the coding strand, the complement: KARS1 is on the minus strand). VCF-style: chr16-75641592-C-T. GRCh37 (hg19) VCF-style: chr16-75675490-C-T.
Other names: c.278G>A, p.Gly93Asp (NM_001130089.2); c.-275G>A (NM_001378148.1); short protein forms G65D, G93D.
Identifiers: ClinVar variation 3363346 (VCV003363346.3).
Genomic context (GRCh38, chr16:75,641,592, plus strand): 5'-GCCCAACCATGCTGGTGGCCCAGGGAACTCACATTTGGGTCCACGCTCTCTTCCTCAGGA[C>T]CCACACCATTATCAGTGGTGTGGTTGGTGGCAGCAGCAGTGGCTTGGCTTAGCTGTTTCT-3'
Protein context (NP_005539.1, residues 55-75): ATNHTTDNGV[Gly65Asp]PEEESVDPNQ

ClinVar aggregate classification (germline): Uncertain significance. Review status: criteria provided, multiple submitters, no conflicts (2 of 4 stars). 2 submissions from 2 submitters: Uncertain significance (2). Last evaluated 2025-08-12.

gnomAD v4.1: 2 of 1,613,916 alleles (0.00012%); highest among the groups gnomAD compares: Admixed American, 0.0033%; no homozygotes.

Submissions (2):

Ambry Genetics
Classification: Uncertain significance. Last evaluated: 2025-08-12. Review status: criteria provided, single submitter. Criteria: Ambry Variant Classification Scheme 2023. Collection method: clinical testing. Allele origin: germline.

GeneDx
Classification: Uncertain significance. Last evaluated: 2025-01-16. Review status: criteria provided, single submitter. Criteria: GeneDx Variant Classification Process June 2021. Collection method: clinical testing. Allele origin: germline.
Comment: Not observed at significant frequency in large population cohorts (gnomAD); In silico analysis indicates that this missense variant does not alter protein structure/function; Has not been previously published as pathogenic or benign to our knowledge